The following is an entry in ClinVar:

ClinVar aggregate classification (germline): Pathogenic. Review status: criteria provided, multiple submitters, no conflicts (2 of 4 stars). 9 submissions from 9 submitters: Pathogenic (9). Last evaluated 2025-06-29.

Conditions:
Inborn genetic diseases. Identifiers: MedGen C0950123, MeSH D030342.
PURA-related severe neonatal hypotonia-seizures-encephalopathy syndrome (NEDRIHF). Also called: PURA-Related Neurodevelopmental Disorders; NEURODEVELOPMENTAL DISORDER WITH NEONATAL RESPIRATORY INSUFFICIENCY, HYPOTONIA, AND FEEDING DIFFICULTIES. Identifiers: Orphanet 438213, Orphanet 438216, MedGen C4015357, MONDO:1060108, OMIM 616158, MONDO:0018580.
Intellectual disability. Also called: Intellectual developmental disorder; Intellectual functioning disability; intellectual disabilities. Identifiers: MedGen C3714756, MeSH D008607, MONDO:0001071, HP:0001249.

Submissions (9):

Labcorp Genetics (formerly Invitae), Labcorp
Classification: Pathogenic for PURA-related severe neonatal hypotonia-seizures-encephalopathy syndrome. Last evaluated: 2025-06-29. Review status: criteria provided, single submitter. Criteria: Invitae Variant Classification Sherloc (09022015). Collection method: clinical testing. Allele origin: germline.
Comment: This sequence change creates a premature translational stop signal (p.Val226Glyfs*67) in the PURA gene. While this is not anticipated to result in nonsense mediated decay, it is expected to disrupt the last 97 amino acid(s) of the PURA protein. This variant is not present in population databases (gnomAD no frequency). This premature translational stop signal has been observed in individual(s) with PURA syndrome (PMID: 29097605). ClinVar contains an entry for this variant (Variation ID: 424155). This variant disrupts a region of the PURA protein in which other variant(s) (p.Tyr261*) have been determined to be pathogenic (PMID: 25439098). This suggests that this is a clinically significant region of the protein, and that variants that disrupt it are likely to be disease-causing. For these reasons, this variant has been classified as Pathogenic.

Institute of Human Genetics, University of Leipzig Medical Center
Classification: Pathogenic for PURA-related severe neonatal hypotonia-seizures-encephalopathy syndrome. Last evaluated: 2024-08-23. Review status: criteria provided, single submitter. Criteria: ACMG Guidelines, 2015. Collection method: clinical testing. Allele origin: unknown. Inheritance: Autosomal dominant inheritance. Affected: yes.
Comment: Criteria applied: PVS1_STR, PS2, PS4_MOD, PM2

Clinical Genetics Laboratory, Skane University Hospital Lund
Classification: Pathogenic. Last evaluated: 2022-06-21. Review status: criteria provided, single submitter. Criteria: ACMG Guidelines, 2015. Collection method: clinical testing. Allele origin: germline. Affected: yes.

HudsonAlpha Institute for Biotechnology
Classification: Pathogenic for PURA-related severe neonatal hypotonia-seizures-encephalopathy syndrome. Last evaluated: 2021-07-22. Review status: criteria provided, single submitter. Criteria: ACMG Guidelines, 2015. Collection method: research. Allele origin: de novo. Affected: yes. Observed: 1 variant allele. Study: HudsonAlpha-AGHI-WGS.
Comment: ACMG codes:PVS1, PS2, PM2, PP5

Institute of Medical Genetics and Applied Genomics, University Hospital Tübingen
Classification: Pathogenic. Last evaluated: 2020-10-23. Review status: criteria provided, single submitter. Criteria: ACMG Guidelines, 2015. Collection method: clinical testing. Allele origin: germline. Inheritance: Unknown mechanism. Affected: yes.

Diagnostic Laboratory, Strasbourg University Hospital
Classification: Pathogenic for Intellectual disability. Last evaluated: 2020-04-20. Review status: criteria provided, single submitter. Criteria: ACMG Guidelines, 2015. Collection method: clinical testing. Allele origin: de novo. Inheritance: Autosomal dominant inheritance. Affected: yes. Observed: 1 heterozygote.

Ambry Genetics
Classification: Pathogenic for Inborn genetic diseases. Last evaluated: 2017-12-29. Review status: criteria provided, single submitter. Criteria: Ambry exome assertion method (8-5-2015). Collection method: clinical testing. Allele origin: germline. Affected: yes. Observed: 1 variant allele.

GeneDx
Classification: Pathogenic. Last evaluated: 2017-04-19. Review status: criteria provided, single submitter. Criteria: GeneDx Variant Classification (06012015). Collection method: clinical testing. Allele origin: germline. Affected: yes.
Comment: The c.677_678delTG variant in the PURA gene has not been reported previously as a pathogenic variant nor as a benign variant, to our knowledge. The c.677_678delTG variant causes a frameshift starting with codon Valine 226, changes this amino acid to a Glycine residue, and creates a premature Stop codon at position 67 of the new reading frame, denoted p.Val226GlyfsX67. This variant is predicted to cause loss of normal protein function through protein truncation. The c.677_678delTG variant is not observed in large population cohorts (Lek et al., 2016; 1000 Genomes Consortium et al., 2015; Exome Variant Server). We interpret c.677_678delTG as a pathogenic variant.

Eurofins Ntd Llc (ga)
Classification: Pathogenic. Last evaluated: 2017-03-10. Review status: criteria provided, single submitter. Criteria: EGL Classification Definitions 2015. Collection method: clinical testing. Allele origin: germline. Observed: 1 variant allele, 1 heterozygote.

Literature cited by the submitters: PubMed 29097605 (cited by Labcorp Genetics (formerly Invitae), Labcorp); PubMed 25439098 (cited by Labcorp Genetics (formerly Invitae), Labcorp).

NM_005859.5(PURA):c.677_678del (p.Val226fs)

Gene: PURA (purine rich element binding protein A; plus strand). Cytogenetic location: 5q31.3.
Variant type: Microsatellite.
Coding change: c.677_678del on transcript NM_005859.5 (MANE Select); coding-DNA positions 677 to 678, 2 bases deleted (TG; older notation c.677_678delTG).
Protein change: p.Val226fs; shifts the reading frame from valine 226.
Molecular consequence: frameshift variant.
Genome position (GRCh38, 1-based): chr5:140,114,858-140,114,859, TG deleted; deleting any 2 consecutive bases within chr5:140,114,856-140,114,859 gives the same sequence; the c. name uses the placement nearest the transcript's 3' end. VCF-style (leftmost placement, unchanged base first): chr5-140114855-CTG-C. GRCh37 (hg19) VCF-style: chr5-139494440-CTG-C.
Other names: c.677_678del (NM_005859.4); short protein forms V226fs.
Identifiers: ClinVar variation 424155 (VCV000424155.25), dbSNP rs1064796830, ClinGen allele CA16618129.